The following is an entry in ClinVar:

NM_001372106.1(DNAH10):c.10891G>A (p.Asp3631Asn)

Gene: DNAH10 (dynein axonemal heavy chain 10; plus strand). Cytogenetic location: 12q24.31.
Variant type: single nucleotide variant.
Coding change: c.10891G>A on transcript NM_001372106.1 (MANE Select); coding-DNA position 10891, G replaced by A.
Protein change: p.Asp3631Asn; replaces aspartic acid 3631 with asparagine.
Molecular consequence: missense variant.
Genome position (GRCh38, 1-based): chr12:123,916,625, G>A. VCF-style: chr12-123916625-G-A. GRCh37 (hg19) VCF-style: chr12-124401172-G-A.
Other names: c.10537G>A, p.Asp3513Asn (NM_207437.3); short protein forms D3513N, D3631N.
Identifiers: ClinVar variation 3347519 (VCV003347519.1).

ClinVar aggregate classification (germline): Benign (0 of 4 stars; one submission).

Conditions:
DNAH10-related disorder. Also called: DNAH10-related condition.

gnomAD v4.1: 21,602 of 1,613,860 alleles (1.3%); highest among the groups gnomAD compares: African/African-American, 19%; 1,512 homozygotes.

Submission:

PreventionGenetics, part of Exact Sciences
Classification: Benign for DNAH10-related condition. Last evaluated: 2024-05-15. Review status: no assertion criteria provided. Collection method: clinical testing. Allele origin: germline.
Comment: This variant is classified as benign based on ACMG/AMP sequence variant interpretation guidelines (Richards et al. 2015 PMID: 25741868, with internal and published modifications).